The following is an entry in ClinVar:

ClinVar aggregate classification (germline): Likely pathogenic. Review status: criteria provided, multiple submitters, no conflicts (2 of 4 stars). 2 submissions from 2 submitters: Likely pathogenic (2). Last evaluated 2023-02-14.

Conditions:
Maple syrup urine disease (MSUD). Identifiers: Orphanet 511, MedGen C0024776, MeSH D008375, MONDO:0009563. Disease mechanism: loss of function.

Submissions (2):

Baylor Genetics
Classification: Likely pathogenic for Maple syrup urine disease type 1A. Last evaluated: 2023-02-14. Review status: criteria provided, single submitter. Criteria: ACMG Guidelines, 2015. Collection method: clinical testing. Allele origin: unknown.

Women's Health and Genetics/Laboratory Corporation of America, LabCorp
Classification: Likely pathogenic for Maple syrup urine disease. Last evaluated: 2022-10-14. Review status: criteria provided, single submitter. Criteria: LabCorp Variant Classification Summary - May 2015. Collection method: clinical testing. Allele origin: germline.
Comment: Variant summary: BCKDHA c.1255C>T (p.Gln419X) results in a premature termination codon, predicted to cause a truncation of the encoded protein or absence of the protein due to nonsense mediated decay, which are commonly known mechanisms for disease. Truncations downstream of this position are classified as pathogenic in ClinVar and reported in association with Maple syrup urine disease in HGMD. The variant allele was found at a frequency of 4e-06 in 249684 control chromosomes. To our knowledge, no occurrence of c.1255C>T in individuals affected with Maple Syrup Urine Disease and no experimental evidence demonstrating its impact on protein function have been reported. No clinical diagnostic laboratories have submitted clinical-significance assessments for this variant to ClinVar after 2014. Based on the evidence outlined above, the variant was classified as likely pathogenic.

NM_000709.4(BCKDHA):c.1255C>T (p.Gln419Ter)

Gene: BCKDHA (branched chain keto acid dehydrogenase E1 subunit alpha; plus strand). Cytogenetic location: 19q13.2.
Variant type: single nucleotide variant.
Coding change: c.1255C>T on transcript NM_000709.4 (MANE Select); coding-DNA position 1255, C replaced by T.
Protein change: p.Gln419Ter; replaces glutamine 419 with a stop codon.
Molecular consequence: nonsense.
Genome position (GRCh38, 1-based): chr19:41,424,525, C>T. VCF-style: chr19-41424525-C-T. GRCh37 (hg19) VCF-style: chr19-41930430-C-T.
Other names: c.1252C>T, p.Gln418Ter (NM_001164783.2); short protein forms Q418*, Q419*.
Identifiers: ClinVar variation 1723318 (VCV001723318.2), dbSNP rs1437382824, ClinGen allele CA406015445.